The following is an entry in ClinVar:

NM_016156.6(MTMR2):c.523A>G (p.Ile175Val)

Gene: MTMR2 (myotubularin related protein 2; minus strand). Cytogenetic location: 11q21.
Variant type: single nucleotide variant.
Coding change: c.523A>G on transcript NM_016156.6 (MANE Select); coding-DNA position 523, A replaced by G.
Protein change: p.Ile175Val; replaces isoleucine 175 with valine.
Molecular consequence: missense variant.
Genome position (GRCh38, 1-based): chr11:95,858,578, T>C on the plus strand (A>G on the coding strand, the complement: MTMR2 is on the minus strand). VCF-style: chr11-95858578-T-C. GRCh37 (hg19) VCF-style: chr11-95591742-T-C.
Other names: c.307A>G, p.Ile103Val (NM_001243571.2, NM_201278.3, NM_201281.3); short protein forms I103V, I175V.
Identifiers: ClinVar variation 1042007 (VCV001042007.9), dbSNP rs1864295304, ClinGen allele CA382428452.

ClinVar aggregate classification (germline): Uncertain significance (1 of 4 stars; one submission).

Conditions:
Charcot-Marie-Tooth disease type 4. Also called: Charcot-Marie-Tooth, Type 4; Charcot-Marie-Tooth disease, type IV. Identifiers: Orphanet 64749, MedGen C4082197, MONDO:0018995.

Allele frequency attached by ClinVar (database versions not stated): gnomAD exomes 0.00001.
gnomAD v4.1: 7 of 1,613,116 alleles (0.00043%); highest among the groups gnomAD compares: African/African-American, 0.0053%; no homozygotes.

Submission:

Labcorp Genetics (formerly Invitae), Labcorp
Classification: Uncertain significance for Charcot-Marie-Tooth disease type 4. Last evaluated: 2020-07-09. Review status: criteria provided, single submitter. Criteria: Invitae Variant Classification Sherloc (09022015). Collection method: clinical testing. Allele origin: germline.
Comment: This variant has not been reported in the literature in individuals with MTMR2-related conditions. In summary, the available evidence is currently insufficient to determine the role of this variant in disease. Therefore, it has been classified as a Variant of Uncertain Significance. Algorithms developed to predict the effect of missense changes on protein structure and function (SIFT, PolyPhen-2, Align-GVGD) all suggest that this variant is likely to be tolerated, but these predictions have not been confirmed by published functional studies and their clinical significance is uncertain. This variant is not present in population databases (ExAC no frequency). This sequence change replaces isoleucine with valine at codon 175 of the MTMR2 protein (p.Ile175Val). The isoleucine residue is moderately conserved and there is a small physicochemical difference between isoleucine and valine.